The following is an entry in ClinVar:

NC_000016.9:g.(?_56916362)_(56921907_?)del

Gene: SLC12A3 (solute carrier family 12 member 3; plus strand). Cytogenetic location: 16q13.
Variant type: Deletion.
Identifiers: ClinVar variation 3243583 (VCV003243583.1).

ClinVar aggregate classification (germline): Pathogenic (1 of 4 stars; one submission).

Submission:

Labcorp Genetics (formerly Invitae), Labcorp
Classification: Pathogenic. Last evaluated: 2023-08-23. Review status: criteria provided, single submitter. Criteria: Invitae Variant Classification Sherloc (09022015). Collection method: clinical testing. Allele origin: unknown.
Comment: For these reasons, this variant has been classified as Pathogenic. This variant has not been reported in the literature in individuals affected with SLC12A3-related conditions. This variant results in the deletion of exons 14-17 and part of exon 13 and 18 (c.1622_2249del) of the SLC12A3 gene. This deletion is out-of-frame, and is expected to create a premature termination codon and result in an absent or disrupted protein product. Loss-of-function variants in SLC12A3 are known to be pathogenic (PMID: 20848653, 22009145, 25841442).

Literature cited by the submitters: PubMed 20848653; PubMed 22009145; PubMed 25841442.